The following is an entry in ClinVar:

ClinVar aggregate classification (germline): Uncertain significance (1 of 4 stars; one submission).

Submission:

GeneDx
Classification: Uncertain significance. Last evaluated: 2025-07-03. Review status: criteria provided, single submitter. Criteria: GeneDx Variant Classification Process June 2021. Collection method: clinical testing. Allele origin: germline. Affected: yes.
Comment: Not observed at significant frequency in large population cohorts (gnomAD); In silico analysis supports that this missense variant has a deleterious effect on protein structure/function; Has not been previously published as pathogenic or benign to our knowledge

NM_001347721.2(DYRK1A):c.281C>T (p.Thr94Ile)

Gene: DYRK1A (dual specificity tyrosine phosphorylation regulated kinase 1A; plus strand). Cytogenetic location: 21q22.13.
Variant type: single nucleotide variant.
Coding change: c.281C>T on transcript NM_001347721.2 (MANE Select); coding-DNA position 281, C replaced by T.
Protein change: p.Thr94Ile; replaces threonine 94 with isoleucine.
Molecular consequence: missense variant.
Genome position (GRCh38, 1-based): chr21:37,478,281, C>T. VCF-style: chr21-37478281-C-T. GRCh37 (hg19) VCF-style: chr21-38850583-C-T.
Other names: c.281C>T, p.Thr94Ile (NM_001347722.2, NM_130436.2); c.194C>T, p.Thr65Ile (NM_001347723.2); c.308C>T, p.Thr103Ile (NM_001396.5, NM_101395.2, NM_130438.2); short protein forms T103I, T65I, T94I.
Identifiers: ClinVar variation 4681167 (VCV004681167.1).